The following is an entry in ClinVar:

ClinVar aggregate classification (germline): Pathogenic (1 of 4 stars; one submission).

Conditions:
Hereditary cancer-predisposing syndrome. Also called: Hereditary Cancer Syndrome; Neoplastic Syndromes, Hereditary; Hereditary neoplastic syndrome; Tumor predisposition. Identifiers: Orphanet 140162, MedGen C0027672, MeSH D009386, MONDO:0015356.

Submission:

Ambry Genetics
Classification: Pathogenic for Hereditary cancer-predisposing syndrome. Last evaluated: 2014-07-15. Review status: criteria provided, single submitter. Criteria: Ambry Autosomal Dominant and X-Linked criteria (10/2015). Collection method: clinical testing. Allele origin: germline. Observed: 1 variant allele.
Comment: The p.S2670* pathogenic mutation (also known as c.8009C>A or p.S2649*) located in coding exon 55 of the NF1 gene, results from a C to A substitution at nucleotide position 8009. This changes the amino acid from a serine to a stop codon within coding exon 55. This mutation was reported in a patient with sporadic NF1, whose clinical features included 6 or more cafe-au-lait spots of 0.5cm or greater and pseudarthrosis (<span data-redactor="verified" style="background-color: initial;">LeskelÃƒÂ¤ HV et al. Bone 2009 Feb; 44(2):243-50).<span data-redactor="verified" style="background-color: initial;">In addition to the clinical data presented in the literature, since premature stop codons are typically deleterious in nature, this alteration is interpreted as a disease-causing mutation (ACMG Recommendations for Standards for Interpretation and Reporting of Sequence Variations. Revision 2007. Genet Med. 2008;10:294).

Literature cited by the submitters: PubMed 19061981.

NM_001042492.3(NF1):c.8009C>A (p.Ser2670Ter)

Gene: NF1 (neurofibromin 1; plus strand). Cytogenetic location: 17q11.2.
Variant type: single nucleotide variant.
Coding change: c.8009C>A on transcript NM_001042492.3 (MANE Select); coding-DNA position 8009, C replaced by A.
Protein change: p.Ser2670Ter; replaces serine 2670 with a stop codon.
Molecular consequence: nonsense.
Genome position (GRCh38, 1-based): chr17:31,358,518, C>A. VCF-style: chr17-31358518-C-A. GRCh37 (hg19) VCF-style: chr17-29685536-C-A.
Other names: c.7946C>A, p.Ser2649Ter (NM_000267.4); short protein forms S2649*, S2670*.
Identifiers: ClinVar variation 428950 (VCV000428950.3), dbSNP rs1131691074, ClinGen allele CA399203665.
Genomic context (GRCh38, chr17:31,358,518, plus strand): 5'-GTTGACTTTTTTTTTCTTTTAGGCATAATTTGTTGGACTCTAAGATCAACACCCTGTTAT[C>A]ATTGTGCCAAGATCCAAATTTGTTAAATCCAATCCATGGAATTGTGCAGAGTGTGGTGTA-3'